The following is an entry in ClinVar:

NM_024809.5(TCTN2):c.100A>C (p.Ile34Leu)

Gene: TCTN2 (tectonic family member 2; plus strand). Cytogenetic location: 12q24.31.
Variant type: single nucleotide variant.
Coding change: c.100A>C on transcript NM_024809.5 (MANE Select); coding-DNA position 100, A replaced by C.
Protein change: p.Ile34Leu; replaces isoleucine 34 with leucine.
Molecular consequence: missense variant.
Genome position (GRCh38, 1-based): chr12:123,671,524, A>C. VCF-style: chr12-123671524-A-C. GRCh37 (hg19) VCF-style: chr12-124156071-A-C.
Other names: c.100A>C, p.Ile34Leu (NM_001143850.3, NM_001410989.1); short protein forms I34L.
Identifiers: ClinVar variation 2048680 (VCV002048680.4), dbSNP rs2541746318, ClinGen allele CA387154998.

ClinVar aggregate classification (germline): Uncertain significance (1 of 4 stars; one submission).

Conditions:
Joubert syndrome. Also called: CEREBELLOPARENCHYMAL DISORDER IV; JOUBERT-BOLTSHAUSER SYNDROME; Familial aplasia of the vermis. Identifiers: Orphanet 475, MedGen C5979921, MONDO:0018772.
Meckel-Gruber syndrome. Also called: DYSENCEPHALIA SPLANCHNOCYSTICA; GRUBER SYNDROME; Dysencephalia splachnocystica. Identifiers: Orphanet 564, MedGen C0265215, MONDO:0018921.

Submission:

Labcorp Genetics (formerly Invitae), Labcorp
Classification: Uncertain significance for Joubert syndrome; Meckel-Gruber syndrome. Last evaluated: 2022-06-30. Review status: criteria provided, single submitter. Criteria: Invitae Variant Classification Sherloc (09022015). Collection method: clinical testing. Allele origin: germline.
Comment: In summary, the available evidence is currently insufficient to determine the role of this variant in disease. Therefore, it has been classified as a Variant of Uncertain Significance. Algorithms developed to predict the effect of missense changes on protein structure and function are either unavailable or do not agree on the potential impact of this missense change (SIFT: "Tolerated"; PolyPhen-2: "Possibly Damaging"; Align-GVGD: "Class C0"). This variant has not been reported in the literature in individuals affected with TCTN2-related conditions. This variant is not present in population databases (gnomAD no frequency). This sequence change replaces isoleucine, which is neutral and non-polar, with leucine, which is neutral and non-polar, at codon 34 of the TCTN2 protein (p.Ile34Leu).